The following is an entry in ClinVar:

ClinVar aggregate classification (germline): Uncertain significance. Review status: criteria provided, multiple submitters, no conflicts (2 of 4 stars). 2 submissions from 2 submitters: Uncertain significance (2). Last evaluated 2022-06-08.

Conditions:
Sphingolipid activator protein 1 deficiency. Also called: Saposin B Deficiency; Metachromatic leukodystrophy due to saposin B deficiency; METACHROMATIC LEUKODYSTROPHY DUE TO CEREBROSIDE SULFATASE ACTIVATOR DEFICIENCY. Identifiers: Orphanet 512, MedGen C0268262, MONDO:0009590, OMIM 249900.

Allele frequency attached by ClinVar (database versions not stated): gnomAD exomes below 0.00001 and 0.00001; ExAC 0.00001; gnomAD 0.00001; TOPMed 0.00001.

Submissions (2):

Labcorp Genetics (formerly Invitae), Labcorp
Classification: Uncertain significance for Sphingolipid activator protein 1 deficiency. Last evaluated: 2022-06-08. Review status: criteria provided, single submitter. Criteria: Invitae Variant Classification Sherloc (09022015). Collection method: clinical testing. Allele origin: germline.
Comment: This sequence change replaces lysine, which is basic and polar, with glutamic acid, which is acidic and polar, at codon 310 of the PSAP protein (p.Lys310Glu). This variant is present in population databases (rs752687627, gnomAD 0.0009%). This variant has not been reported in the literature in individuals affected with PSAP-related conditions. Algorithms developed to predict the effect of missense changes on protein structure and function are either unavailable or do not agree on the potential impact of this missense change (SIFT: "Not Available"; PolyPhen-2: "Benign"; Align-GVGD: "Not Available"). In summary, the available evidence is currently insufficient to determine the role of this variant in disease. Therefore, it has been classified as a Variant of Uncertain Significance.

Blueprint Genetics
Classification: Uncertain significance. Last evaluated: 2021-12-28. Review status: criteria provided, single submitter. Criteria: ACMG Guidelines, 2015. Collection method: clinical testing. Allele origin: germline.

NM_002778.4(PSAP):c.928A>G (p.Lys310Glu)

Gene: PSAP (prosaposin; minus strand). Cytogenetic location: 10q22.1.
Variant type: single nucleotide variant.
Coding change: c.928A>G on transcript NM_002778.4 (MANE Select); coding-DNA position 928, A replaced by G.
Protein change: p.Lys310Glu; replaces lysine 310 with glutamic acid.
Molecular consequence: missense variant.
Genome position (GRCh38, 1-based): chr10:71,820,317, T>C on the plus strand (A>G on the coding strand, the complement: PSAP is on the minus strand). VCF-style: chr10-71820317-T-C. GRCh37 (hg19) VCF-style: chr10-73580074-T-C.
Other names: c.937A>G, p.Lys313Glu (NM_001042465.3); c.934A>G, p.Lys312Glu (NM_001042466.3); short protein forms K310E, K313E, K312E.
Identifiers: ClinVar variation 1413787 (VCV001413787.4), dbSNP rs752687627, ClinGen allele CA5547559.
Genomic context (GRCh38, chr10:71,820,317, plus strand): 5'-CAATCAGCTTGGTCACCTCCTTCACCAGGAATTCACACACCTCACAGTAAACATCAGACT[T>C]TGCTGGGACCTCGTGCTTCTGTGGAAAGAGTAGAAGGAGAGTACTTTCAATGCTGGGACT-3'
Protein context (NP_002769.1, residues 300-320): EPIKKHEVPA[Lys310Glu]SDVYCEVCEF